The following is an entry in ClinVar:

NM_001282933.2(ZNF341):c.2473G>A (p.Gly825Ser)

Genes: ZNF341 (zinc finger protein 341; plus strand), ZNF341-AS1 (ZNF341 antisense RNA 1; minus strand). Cytogenetic location: 20q11.22.
Variant type: single nucleotide variant.
Coding change: c.2473G>A on transcript NM_001282933.2 (MANE Select); coding-DNA position 2473, G replaced by A.
Protein change: p.Gly825Ser; replaces glycine 825 with serine.
Molecular consequence: missense variant. On other transcripts: non-coding transcript variant (1).
Genome position (GRCh38, 1-based): chr20:33,791,425, G>A. VCF-style: chr20-33791425-G-A. GRCh37 (hg19) VCF-style: chr20-32379231-G-A.
Other names: c.2203G>A, p.Gly735Ser (NM_001282935.2); c.2452G>A, p.Gly818Ser (NM_032819.5); short protein forms G735S, G818S, G825S.
Identifiers: ClinVar variation 1472675 (VCV001472675.6), dbSNP rs373216134, ClinGen allele CA9819817.

ClinVar aggregate classification (germline): Uncertain significance (1 of 4 stars; one submission).

Allele frequency attached by ClinVar (database versions not stated): TOPMed below 0.00001; gnomAD 0.00001; gnomAD exomes 0.00001 and 0.00002; ExAC 0.00002; ESP Exome Variant Server 0.00008.

Submission:

Labcorp Genetics (formerly Invitae), Labcorp
Classification: Uncertain significance. Last evaluated: 2025-08-29. Review status: criteria provided, single submitter. Criteria: Invitae Variant Classification Sherloc (09022015). Collection method: clinical testing. Allele origin: germline.
Comment: This sequence change replaces glycine, which is neutral and non-polar, with serine, which is neutral and polar, at codon 818 of the ZNF341 protein (p.Gly818Ser). This variant is present in population databases (rs373216134, gnomAD 0.003%). This variant has not been reported in the literature in individuals affected with ZNF341-related conditions. ClinVar contains an entry for this variant (Variation ID: 1472675). An algorithm developed to predict the effect of missense changes on protein structure and function (PolyPhen-2) suggests that this variant is likely to be tolerated. In summary, the available evidence is currently insufficient to determine the role of this variant in disease. Therefore, it has been classified as a Variant of Uncertain Significance.